The following is an entry in ClinVar:

NM_000059.4(BRCA2):c.3142G>A (p.Val1048Ile)

Gene: BRCA2 (BRCA2 DNA repair associated; plus strand). Cytogenetic location: 13q13.1.
Variant type: single nucleotide variant.
Coding change: c.3142G>A on transcript NM_000059.4 (MANE Select); coding-DNA position 3142, G replaced by A.
Protein change: p.Val1048Ile; replaces valine 1048 with isoleucine.
Molecular consequence: missense variant.
Genome position (GRCh38, 1-based): chr13:32,337,497, G>A. VCF-style: chr13-32337497-G-A. GRCh37 (hg19) VCF-style: chr13-32911634-G-A.
Other names: short protein forms V1048I.
Identifiers: ClinVar variation 51404 (VCV000051404.12), dbSNP rs80358560, ClinGen allele CA017293.

ClinVar aggregate classification (germline): Conflicting classifications of pathogenicity. Review status: criteria provided, conflicting classifications (1 of 4 stars). 3 submissions from 3 submitters: Uncertain significance (1); Likely benign (1). 1 of the submissions does not count toward it. Last evaluated 2023-03-23.

Conditions:
Hereditary breast ovarian cancer syndrome. Also called: Hereditary breast and ovarian cancer syndrome; Hereditary breast and ovarian cancer; Hereditary breast and ovarian cancer syndrome (HBOC); Breast and ovarian cancer; Hereditary breast and/or ovarian cancer syndrome; BRCA1- and BRCA2-Associated Hereditary Breast and Ovarian Cancer. Identifiers: Orphanet 145, MedGen C0677776, MeSH D061325, MONDO:0003582. Disease mechanism: loss of function.
Breast-ovarian cancer, familial, susceptibility to, 2 (BROVCA2). Also called: BRCA2 Hereditary Breast and Ovarian Cancer. Identifiers: Orphanet 145, MedGen C2675520, MONDO:0012933, OMIM 612555. Disease mechanism: loss of function.
Hereditary cancer-predisposing syndrome. Also called: Neoplastic Syndromes, Hereditary; Tumor predisposition; Hereditary Cancer Syndrome; Hereditary neoplastic syndrome. Identifiers: Orphanet 140162, MedGen C0027672, MeSH D009386, MONDO:0015356.

Allele frequency attached by ClinVar (database versions not stated): gnomAD exomes below 0.00001.
gnomAD v4.1: 1 of 1,608,838 alleles (0.000062%); no homozygotes.

Submissions (3):

University of Washington Department of Laboratory Medicine, University of Washington
Classification: Likely benign for Hereditary cancer-predisposing syndrome. Last evaluated: 2023-03-23. Review status: criteria provided, single submitter. Criteria: Dines et al. (Genet Med. 2020). Collection method: curation. Allele origin: germline.
Comment: Missense variant in a coldspot region where missense variants are very unlikely to be pathogenic (PMID:31911673).

BRCA2 exon 11 coldspot. Reclassification based on statistical prior probability.

Labcorp Genetics (formerly Invitae), Labcorp
Classification: Uncertain significance for Hereditary breast ovarian cancer syndrome. Last evaluated: 2018-08-25. Review status: criteria provided, single submitter. Criteria: Invitae Variant Classification Sherloc (09022015). Collection method: clinical testing. Allele origin: germline.
Comment: This sequence change replaces valine with isoleucine at codon 1048 of the BRCA2 protein (p.Val1048Ile). The valine residue is moderately conserved and there is a small physicochemical difference between valine and isoleucine. This variant is not present in population databases (ExAC no frequency). This variant has been observed in an individual affected with ovarian cancer (PMID: 16284991). ClinVar contains an entry for this variant (Variation ID: 51404). Algorithms developed to predict the effect of missense changes on protein structure and function output the following: SIFT: "Tolerated"; PolyPhen-2: "Benign"; Align-GVGD: "Class C0". The isoleucine amino acid residue is found in multiple mammalian species, suggesting that this missense change does not adversely affect protein function. These predictions have not been confirmed by published functional studies and their clinical significance is uncertain. In summary, the available evidence is currently insufficient to determine the role of this variant in disease. Therefore, it has been classified as a Variant of Uncertain Significance.

Breast Cancer Information Core (BIC) (BRCA2)
Classification: Uncertain significance for Breast-ovarian cancer, familial 2. Last evaluated: 2004-02-20. Review status: no assertion criteria provided. Collection method: clinical testing. Allele origin: germline. Affected: yes. Observed: 2 variant alleles. Not counted in ClinVar's aggregate classification.

Literature cited by the submitters: PubMed 16284991 (cited by Labcorp Genetics (formerly Invitae), Labcorp).